The following is an entry in ClinVar:

ClinVar aggregate classification (germline): Uncertain significance (1 of 4 stars; one submission).

Conditions:
MHC class II deficiency. Also called: BLS, TYPE II; Bare lymphocyte syndrome 2. Identifiers: Orphanet 572, MedGen C5447452, MONDO:0008855.

Allele frequency attached by ClinVar (database versions not stated): ExAC below 0.00001; TOPMed 0.00002; gnomAD 0.00003.

Submission:

Labcorp Genetics (formerly Invitae), Labcorp
Classification: Uncertain significance for MHC class II deficiency. Last evaluated: 2022-04-28. Review status: criteria provided, single submitter. Criteria: Invitae Variant Classification Sherloc (09022015). Collection method: clinical testing. Allele origin: germline.
Comment: This sequence change replaces alanine, which is neutral and non-polar, with proline, which is neutral and non-polar, at codon 78 of the RFXAP protein (p.Ala78Pro). This variant is present in population databases (rs777571548, gnomAD 0.01%). This variant has not been reported in the literature in individuals affected with RFXAP-related conditions. ClinVar contains an entry for this variant (Variation ID: 847668). Algorithms developed to predict the effect of missense changes on protein structure and function (SIFT, PolyPhen-2, Align-GVGD) all suggest that this variant is likely to be tolerated. In summary, the available evidence is currently insufficient to determine the role of this variant in disease. Therefore, it has been classified as a Variant of Uncertain Significance.

NM_000538.4(RFXAP):c.232G>C (p.Ala78Pro)

Gene: RFXAP (regulatory factor X associated protein; plus strand). Cytogenetic location: 13q13.3.
Variant type: single nucleotide variant.
Coding change: c.232G>C on transcript NM_000538.4 (MANE Select); coding-DNA position 232, G replaced by C.
Protein change: p.Ala78Pro; replaces alanine 78 with proline.
Molecular consequence: missense variant.
Genome position (GRCh38, 1-based): chr13:36,819,589, G>C. VCF-style: chr13-36819589-G-C. GRCh37 (hg19) VCF-style: chr13-37393726-G-C.
Other names: short protein forms A78P.
Identifiers: ClinVar variation 847668 (VCV000847668.7), dbSNP rs777571548, ClinGen allele CA6950185.